The following is an entry in ClinVar:

NM_012431.3(SEMA3E):c.1284T>G (p.Asp428Glu)

Gene: SEMA3E (semaphorin 3E; minus strand). Cytogenetic location: 7q21.11.
Variant type: single nucleotide variant.
Coding change: c.1284T>G on transcript NM_012431.3 (MANE Select); coding-DNA position 1284, T replaced by G.
Protein change: p.Asp428Glu; replaces aspartic acid 428 with glutamic acid.
Molecular consequence: missense variant.
Genome position (GRCh38, 1-based): chr7:83,400,110, A>C on the plus strand (T>G on the coding strand, the complement: SEMA3E is on the minus strand). VCF-style: chr7-83400110-A-C. GRCh37 (hg19) VCF-style: chr7-83029426-A-C.
Other names: c.1104T>G, p.Asp368Glu (NM_001178129.2); short protein forms D368E, D428E.
Identifiers: ClinVar variation 3347986 (VCV003347986.1).

ClinVar aggregate classification (germline): Uncertain significance (0 of 4 stars; one submission).

Conditions:
SEMA3E-related disorder. Also called: SEMA3E-related condition.

gnomAD v4.1: 3 of 1,613,946 alleles (0.00019%); highest among the groups gnomAD compares: Non-Finnish European, 0.00025%; no homozygotes.

Submission:

PreventionGenetics, part of Exact Sciences
Classification: Uncertain significance for SEMA3E-related condition. Last evaluated: 2024-03-27. Review status: no assertion criteria provided. Collection method: clinical testing. Allele origin: germline.
Comment: The SEMA3E c.1284T>G variant is predicted to result in the amino acid substitution p.Asp428Glu. To our knowledge, this variant has not been reported in the literature. This variant is reported in 0.00088% of alleles in individuals of European (Non-Finnish) descent in gnomAD. At this time, the clinical significance of this variant is uncertain due to the absence of conclusive functional and genetic evidence.